The following is an entry in ClinVar:

NM_018896.5(CACNA1G):c.1271C>T (p.Ala424Val)

Gene: CACNA1G (calcium voltage-gated channel subunit alpha1 G; plus strand). Cytogenetic location: 17q21.33.
Variant type: single nucleotide variant.
Coding change: c.1271C>T on transcript NM_018896.5 (MANE Select); coding-DNA position 1271, C replaced by T.
Protein change: p.Ala424Val; replaces alanine 424 with valine.
Molecular consequence: missense variant. On other transcripts: non-coding transcript variant (5).
Genome position (GRCh38, 1-based): chr17:50,575,673, C>T. VCF-style: chr17-50575673-C-T. GRCh37 (hg19) VCF-style: chr17-48653034-C-T.
Other names: c.1271C>T, p.Ala424Val (NM_001256324.2, NM_001256325.2, NM_001256326.2 and 24 more transcripts); short protein forms A424V.
Identifiers: ClinVar variation 4536315 (VCV004536315.1).
Genomic context (GRCh38, chr17:50,575,673, plus strand): 5'-GGGAAAGCCAGCTGATGCGGGAGCAGCGTGTGCGGTTCCTGTCCAACGCCAGCACCCTGG[C>T]TAGCTTCTCTGAGCCCGGCAGCTGCTATGAGGAGCTGCTCAAGTACCTGGTGTACATCCT-3'
Protein context (NP_061496.2, residues 414-434): VRFLSNASTL[Ala424Val]SFSEPGSCYE

ClinVar aggregate classification (germline): Uncertain significance (1 of 4 stars; one submission).

Submission:

GeneDx
Classification: Uncertain significance. Last evaluated: 2025-06-03. Review status: criteria provided, single submitter. Criteria: GeneDx Variant Classification Process June 2021. Collection method: clinical testing. Allele origin: germline. Affected: yes.
Comment: Not observed at significant frequency in large population cohorts (gnomAD); In silico analysis supports that this missense variant has a deleterious effect on protein structure/function; Has not been previously published as pathogenic or benign to our knowledge